The following is an entry in ClinVar:

NM_001042750.2(STAG2):c.3016T>C (p.Phe1006Leu)

Gene: STAG2 (STAG2 cohesin complex component; plus strand). Cytogenetic location: Xq25.
Variant type: single nucleotide variant.
Coding change: c.3016T>C on transcript NM_001042750.2 (MANE Select); coding-DNA position 3016, T replaced by C.
Protein change: p.Phe1006Leu; replaces phenylalanine 1006 with leucine.
Molecular consequence: missense variant.
Genome position (GRCh38, 1-based): chrX:124,083,512, T>C. VCF-style: chrX-124083512-T-C. GRCh37 (hg19) VCF-style: chrX-123217362-T-C.
Other names: c.3016T>C, p.Phe1006Leu (NM_001042749.2, NM_001042751.2, NM_001282418.2 and 13 more transcripts); short protein forms F1006L.
Identifiers: ClinVar variation 1316065 (VCV001316065.3), dbSNP rs987552896, ClinGen allele CA335280870.

ClinVar aggregate classification (germline): Uncertain significance (1 of 4 stars; one submission).

Allele frequency attached by ClinVar (database versions not stated): gnomAD 0.00001; TOPMed 0.00001.

Submission:

GeneDx
Classification: Uncertain significance. Last evaluated: 2024-07-09. Review status: criteria provided, single submitter. Criteria: GeneDx Variant Classification Process June 2021. Collection method: clinical testing. Allele origin: germline. Affected: yes.
Comment: Not observed at significant frequency in large population cohorts (gnomAD); In silico analysis supports that this missense variant has a deleterious effect on protein structure/function; Has not been previously published as pathogenic or benign to our knowledge